The following is an entry in ClinVar:

ClinVar aggregate classification (germline): Conflicting classifications of pathogenicity. Review status: criteria provided, conflicting classifications (1 of 4 stars). 6 submissions from 5 submitters: Uncertain significance (5); Benign (1). Last evaluated 2025-12-17.

Conditions:
Hereditary cancer-predisposing syndrome. Also called: Tumor predisposition; Neoplastic Syndromes, Hereditary; Hereditary Cancer Syndrome; Hereditary neoplastic syndrome. Identifiers: Orphanet 140162, MedGen C0027672, MeSH D009386, MONDO:0015356.
Cardiovascular phenotype. Identifiers: MedGen CN230736.
Neurofibromatosis, type 1 (NF1). Also called: Peripheral type neurofibromatosis; Neurofibromatosis, type I; NEUROFIBROMATOSIS, TYPE I, SOMATIC; VON RECKLINGHAUSEN DISEASE. Identifiers: Orphanet 636, MedGen C0027831, MONDO:0018975, OMIM 162200. Disease mechanism: loss of function.

Allele frequency attached by ClinVar (database versions not stated): gnomAD exomes below 0.00001; TOPMed below 0.00001.
gnomAD v4.1: 4 of 1,613,358 alleles (0.00025%); highest among the groups gnomAD compares: Non-Finnish European, 0.00034%; no homozygotes.

Submissions (6):

Labcorp Genetics (formerly Invitae), Labcorp
Classification: Benign for Neurofibromatosis, type 1. Last evaluated: 2025-12-17. Review status: criteria provided, single submitter. Criteria: Invitae Variant Classification Sherloc (09022015). Collection method: clinical testing. Allele origin: germline.

CeGaT Center for Human Genetics Tuebingen
Classification: Uncertain significance. Last evaluated: 2022-10-01. Review status: criteria provided, single submitter. Criteria: CeGaT Center For Human Genetics Tuebingen Variant Classification Criteria Version 2. Collection method: clinical testing. Allele origin: germline. Affected: yes. Observed: 2 variant alleles.

Genome-Nilou Lab
Classification: Uncertain significance for Neurofibromatosis, type 1. Last evaluated: 2022-03-15. Review status: criteria provided, single submitter. Criteria: ACMG Guidelines, 2015. Collection method: clinical testing. Allele origin: germline. Affected: no.

Ambry Genetics
Classification: Uncertain significance for Cardiovascular phenotype; Hereditary cancer-predisposing syndrome. Last evaluated: 2021-09-17. Review status: criteria provided, single submitter. Criteria: Ambry Variant Classification Scheme 2023. Collection method: clinical testing. Allele origin: germline.

Sema4
Classification: Uncertain significance for Hereditary cancer-predisposing syndrome. Last evaluated: 2021-08-12. Review status: criteria provided, single submitter. Criteria: Sema4 Curation Guidelines. Collection method: curation. Allele origin: germline.
Comment: The NF1 c.7352C>G (p.P2451R) variant has been reported in two individuals with breast cancer and in ethnically matched, unaffected controls (PMID: 33471991). It was observed in 1/113634 chromosomes in the Non-Finnish European subpopulation in the large and broad cohorts of the Genome Aggregation Database (PMID: 32461654). The variant has been reported in ClinVar (Variation ID: 185455). Functional studies have not been performed, and in silico predictions of the variant's effect on protein function are inconclusive. The evidence is insufficient to meet ACMG/AMP criteria for classifying the variant as benign or pathogenic. Thus, the clinical significance of this variant is currently uncertain.

Ambry Genetics
Classification: Uncertain significance for Hereditary cancer-predisposing syndrome. Last evaluated: 2015-12-04. Review status: criteria provided, single submitter. Criteria: Ambry Autosomal Dominant and X-Linked criteria (10/2015). Collection method: clinical testing. Allele origin: germline. Observed: 1 variant allele.
Comment: The p.P2472R variant (also known as c.7415C>G), located in coding exon 50 of the NF1 gene, results from a C to G substitution at nucleotide position 7415. The proline at codon 2472 is replaced by arginine, an amino acid with dissimilar properties. This variant was not reported in population based cohorts in the following databases: Database of Single Nucleotide Polymorphisms (dbSNP), NHLBI Exome Sequencing Project (ESP), and 1000 Genomes Project. In the ESP, this variant was not observed in 6503 samples (13006 alleles) with coverage at this position. To date, this alteration has been detected with an allele frequency of approximately 0.004% (greater than 110000 alleles tested) in our clinical cohort. This amino acid position is highly conserved in available vertebrate species. In addition, the in silico prediction for this alteration is inconclusive. Since supporting evidence is limited at this time, the clinical significance of p.P2472R remains unclear.

Literature cited by the submitters: PubMed 33471991 (cited by Sema4).

NM_001042492.3(NF1):c.7415C>G (p.Pro2472Arg)

Gene: NF1 (neurofibromin 1; plus strand). Cytogenetic location: 17q11.2.
Variant type: single nucleotide variant.
Coding change: c.7415C>G on transcript NM_001042492.3 (MANE Select); coding-DNA position 7415, C replaced by G.
Protein change: p.Pro2472Arg; replaces proline 2472 with arginine.
Molecular consequence: missense variant.
Genome position (GRCh38, 1-based): chr17:31,350,276, C>G. VCF-style: chr17-31350276-C-G. GRCh37 (hg19) VCF-style: chr17-29677294-C-G.
Other names: c.7352C>G, p.Pro2451Arg (NM_000267.4); short protein forms P2451R, P2472R.
Identifiers: ClinVar variation 185455 (VCV000185455.36), dbSNP rs786202184, ClinGen allele CA192008.